The following is an entry in ClinVar:

ClinVar aggregate classification (germline): Uncertain significance (1 of 4 stars; one submission).

Allele frequency attached by ClinVar (database versions not stated): TOPMed below 0.00001; gnomAD 0.00001.
gnomAD v4.1: 2 of 1,613,862 alleles (0.00012%); highest among the groups gnomAD compares: South Asian, 0.0022%; no homozygotes.

Submission:

Labcorp Genetics (formerly Invitae), Labcorp
Classification: Uncertain significance. Last evaluated: 2023-06-15. Review status: criteria provided, single submitter. Criteria: Invitae Variant Classification Sherloc (09022015). Collection method: clinical testing. Allele origin: germline.
Comment: In summary, the available evidence is currently insufficient to determine the role of this variant in disease. Therefore, it has been classified as a Variant of Uncertain Significance. An algorithm developed to predict the effect of missense changes on protein structure and function (PolyPhen-2) suggests that this variant is likely to be disruptive. ClinVar contains an entry for this variant (Variation ID: 1718125). This variant has not been reported in the literature in individuals affected with VCAN-related conditions. This variant is not present in population databases (gnomAD no frequency). This sequence change replaces glycine, which is neutral and non-polar, with glutamic acid, which is acidic and polar, at codon 2259 of the VCAN protein (p.Gly2259Glu).

NM_004385.5(VCAN):c.6776G>A (p.Gly2259Glu)

Genes: VCAN (versican; plus strand), VCAN-AS1 (VCAN antisense RNA 1; minus strand). Cytogenetic location: 5q14.3.
Variant type: single nucleotide variant.
Coding change: c.6776G>A on transcript NM_004385.5 (MANE Select); coding-DNA position 6776, G replaced by A.
Protein change: p.Gly2259Glu; replaces glycine 2259 with glutamic acid.
Molecular consequence: missense variant. On other transcripts: intron variant (2).
Genome position (GRCh38, 1-based): chr5:83,539,779, G>A. VCF-style: chr5-83539779-G-A. GRCh37 (hg19) VCF-style: chr5-82835598-G-A.
Other names: c.3815G>A, p.Gly1272Glu (NM_001164097.2); c.4004-5758G>A (NM_001164098.2); c.1043-5758G>A (NM_001126336.3); short protein forms G1272E, G2259E.
Identifiers: ClinVar variation 1718125 (VCV001718125.5), dbSNP rs1746891047, ClinGen allele CA360313309.